The following is an entry in ClinVar:

NM_018979.4(WNK1):c.6668G>C (p.Gly2223Ala)

Gene: WNK1 (WNK lysine deficient protein kinase 1; plus strand). Cytogenetic location: 12p13.33.
Variant type: single nucleotide variant.
Coding change: c.6668G>C on transcript NM_018979.4 (MANE Select); coding-DNA position 6668, G replaced by C.
Protein change: p.Gly2223Ala; replaces glycine 2223 with alanine.
Molecular consequence: missense variant.
Genome position (GRCh38, 1-based): chr12:907,871, G>C. VCF-style: chr12-907871-G-C. GRCh37 (hg19) VCF-style: chr12-1017037-G-C.
Other names: c.7448G>C, p.Gly2483Ala (NM_001184985.2); c.5924G>C, p.Gly1975Ala (NM_014823.3); c.7424G>C, p.Gly2475Ala (NM_213655.5); short protein forms G1975A, G2475A, G2223A, G2483A.
Identifiers: ClinVar variation 2195313 (VCV002195313.4), dbSNP rs756403070, ClinGen allele CA6383469.
Genomic context (GRCh38, chr12:907,871, plus strand): 5'-CTTCTTTTAATGCTCGTATTCTGTTGCTTATAATAGGAACCAGCAGCACAAACACTGTTG[G>C]GGCAACAGTGAACAGCCAAGCCGCCCAAGCTCAGCCTCCTGCCATGACGTCCAGCAGGAA-3'
Protein context (NP_061852.3, residues 2213-2233): GQGTSSTNTV[Gly2223Ala]ATVNSQAAQA

ClinVar aggregate classification (germline): Uncertain significance (1 of 4 stars; one submission).

Conditions:
Neuropathy, hereditary sensory and autonomic, type 2A (HSAN2A). Also called: ACROOSTEOLYSIS, GIACCAI TYPE; ACROOSTEOLYSIS, NEUROGENIC; MORVAN DISEASE; NEUROPATHY, CONGENITAL SENSORY; NEUROPATHY, HEREDITARY SENSORY RADICULAR, AUTOSOMAL RECESSIVE; NEUROPATHY, HEREDITARY SENSORY, TYPE IIA. Identifiers: Orphanet 970, MedGen C2752089, MONDO:0024309, OMIM 201300.
Pseudohypoaldosteronism type 2C (PHA2C). Also called: Pseudohypoaldosteronism Type IIC. Identifiers: Orphanet 757, Orphanet 88940, MedGen C1840391, MONDO:0013778, OMIM 614492.

Allele frequency attached by ClinVar (database versions not stated): ExAC 0.00001; gnomAD 0.00001; gnomAD exomes 0.00001; TOPMed 0.00001.
gnomAD v4.1: 4 of 1,613,688 alleles (0.00025%); highest among the groups gnomAD compares: African/African-American, 0.004%; no homozygotes.

Submission:

Labcorp Genetics (formerly Invitae), Labcorp
Classification: Uncertain significance for Neuropathy, hereditary sensory and autonomic, type 2A; Pseudohypoaldosteronism type 2C. Last evaluated: 2022-08-21. Review status: criteria provided, single submitter. Criteria: Invitae Variant Classification Sherloc (09022015). Collection method: clinical testing. Allele origin: germline.
Comment: This sequence change replaces glycine, which is neutral and non-polar, with alanine, which is neutral and non-polar, at codon 2475 of the WNK1 protein (p.Gly2475Ala). This variant is present in population databases (rs756403070, gnomAD 0.01%). This variant has not been reported in the literature in individuals affected with WNK1-related conditions. Advanced modeling of protein sequence and biophysical properties (such as structural, functional, and spatial information, amino acid conservation, physicochemical variation, residue mobility, and thermodynamic stability) performed at Invitae indicates that this missense variant is not expected to disrupt WNK1 protein function. In summary, the available evidence is currently insufficient to determine the role of this variant in disease. Therefore, it has been classified as a Variant of Uncertain Significance.